The following is an entry in ClinVar:

NM_005618.4(DLL1):c.134G>A (p.Cys45Tyr)

Gene: DLL1 (delta like canonical Notch ligand 1; minus strand). Cytogenetic location: 6q27.
Variant type: single nucleotide variant.
Coding change: c.134G>A on transcript NM_005618.4 (MANE Select); coding-DNA position 134, G replaced by A.
Protein change: p.Cys45Tyr; replaces cysteine 45 with tyrosine.
Molecular consequence: missense variant.
Genome position (GRCh38, 1-based): chr6:170,289,729, C>T on the plus strand (G>A on the coding strand, the complement: DLL1 is on the minus strand). VCF-style: chr6-170289729-C-T. GRCh37 (hg19) VCF-style: chr6-170598817-C-T.
Other names: short protein forms C45Y.
Identifiers: ClinVar variation 1028921 (VCV001028921.1), dbSNP rs1783806349, ClinGen allele CA366510263.

ClinVar aggregate classification (germline): Uncertain significance (1 of 4 stars; one submission).

Conditions:
Neurodevelopmental disorder with nonspecific brain abnormalities and with or without seizures. Identifiers: MedGen C5231470, MONDO:0032877, OMIM 618709.

Submission:

Baylor Genetics
Classification: Uncertain significance for Neurodevelopmental disorder with nonspecific brain abnormalities and with or without seizures. Last evaluated: 2020-11-06. Review status: criteria provided, single submitter. Criteria: ACMG Guidelines, 2015. Collection method: clinical testing. Allele origin: unknown. Affected: yes.
Comment: This variant was determined to be of uncertain significance according to ACMG Guidelines, 2015 [PMID:25741868].